The following is an entry in ClinVar:

NM_194293.4(XIRP1):c.5415C>G (p.Leu1805=)

Gene: XIRP1 (xin actin binding repeat containing 1; minus strand). Cytogenetic location: 3p22.2.
Variant type: single nucleotide variant.
Coding change: c.5415C>G on transcript NM_194293.4 (MANE Select); coding-DNA position 5415, C replaced by G.
Protein change: p.Leu1805=; no amino-acid change (leucine 1805 retained).
Molecular consequence: synonymous variant. On other transcripts: 3 prime UTR variant (1).
Genome position (GRCh38, 1-based): chr3:39,184,031, G>C on the plus strand (C>G on the coding strand, the complement: XIRP1 is on the minus strand). VCF-style: chr3-39184031-G-C. GRCh37 (hg19) VCF-style: chr3-39225522-G-C.
Other names: c.*1622C>G (NM_001198621.4); c.1464C>G, p.Leu488= (NM_001351377.2).
Identifiers: ClinVar variation 783217 (VCV000783217.7), dbSNP rs34038740, ClinGen allele CA2325652.

ClinVar aggregate classification (germline): Benign. Review status: criteria provided, multiple submitters, no conflicts (2 of 4 stars). 3 submissions from 3 submitters: Benign (2). 1 of the submissions does not count toward it. Last evaluated 2019-12-31.

Conditions:
XIRP1-related disorder. Also called: XIRP1-related condition.

Allele frequency attached by ClinVar (database versions not stated): gnomAD exomes 0.00222 and 0.00079; ExAC 0.00285; gnomAD 0.00945 and 0.00885; 1000 Genomes Project 30x 0.00906; 1000 Genomes Project 0.00958; ESP Exome Variant Server 0.00984; TOPMed 0.01052.

Submissions (3):

Labcorp Genetics (formerly Invitae), Labcorp
Classification: Benign. Last evaluated: 2019-12-31. Review status: criteria provided, single submitter. Criteria: Invitae Variant Classification Sherloc (09022015). Collection method: clinical testing. Allele origin: germline.

Breakthrough Genomics
Classification: Benign. Review status: criteria provided, single submitter. Criteria: ACMG Guidelines, 2015. Collection method: not provided. Allele origin: germline. Inheritance: Unknown mechanism. Affected: yes.

PreventionGenetics, part of Exact Sciences
Classification: Benign for XIRP1-related condition. Last evaluated: 2019-03-25. Review status: no assertion criteria provided. Collection method: clinical testing. Allele origin: germline. Not counted in ClinVar's aggregate classification.
Comment: This variant is classified as benign based on ACMG/AMP sequence variant interpretation guidelines (Richards et al. 2015 PMID: 25741868, with internal and published modifications).